The following is an entry in ClinVar:

ClinVar aggregate classification (germline): Uncertain significance (1 of 4 stars; one submission).

Conditions:
Inborn genetic diseases. Identifiers: MedGen C0950123, MeSH D030342.

Submission:

Ambry Genetics
Classification: Uncertain significance for Inborn genetic diseases. Last evaluated: 2024-05-10. Review status: criteria provided, single submitter. Criteria: Ambry Variant Classification Scheme 2023. Collection method: clinical testing. Allele origin: germline.
Comment: The p.N333I variant (also known as c.998A>T), located in coding exon 9 of the LRRK2 gene, results from an A to T substitution at nucleotide position 998. The asparagine at codon 333 is replaced by isoleucine, an amino acid with dissimilar properties. This amino acid position is conserved. In addition, this alteration is predicted to be tolerated by in silico analysis. Since supporting evidence is limited at this time, the clinical significance of this alteration remains unclear.

NM_198578.4(LRRK2):c.998A>T (p.Asn333Ile)

Gene: LRRK2 (leucine rich repeat kinase 2; plus strand). Cytogenetic location: 12q12.
Variant type: single nucleotide variant.
Coding change: c.998A>T on transcript NM_198578.4 (MANE Select); coding-DNA position 998, A replaced by T.
Protein change: p.Asn333Ile; replaces asparagine 333 with isoleucine.
Molecular consequence: missense variant.
Genome position (GRCh38, 1-based): chr12:40,251,271, A>T. VCF-style: chr12-40251271-A-T. GRCh37 (hg19) VCF-style: chr12-40645073-A-T.
Other names: short protein forms N333I.
Identifiers: ClinVar variation 1768813 (VCV001768813.3), dbSNP rs2499502677, ClinGen allele CA384407774.